The following is an entry in ClinVar:

ClinVar aggregate classification (germline): Pathogenic. Review status: criteria provided, multiple submitters, no conflicts (2 of 4 stars). 3 submissions from 3 submitters: Pathogenic (3). Last evaluated 2023-09-15.

Conditions:
Hereditary cancer-predisposing syndrome. Also called: Neoplastic Syndromes, Hereditary; Tumor predisposition; Hereditary neoplastic syndrome; Hereditary Cancer Syndrome. Identifiers: Orphanet 140162, MedGen C0027672, MeSH D009386, MONDO:0015356.
Familial cancer of breast. Also called: BREAST CANCER, FAMILIAL; Hereditary breast cancer; hereditary breast carcinoma. Identifiers: Orphanet 227535, MedGen C0346153, MONDO:0016419, OMIM 114480. Disease mechanism: loss of function.

Submissions (3):

Myriad Genetics, Inc.
Classification: Pathogenic for Familial cancer of breast. Last evaluated: 2023-09-15. Review status: criteria provided, single submitter. Criteria: Myriad Autosomal Dominant, Autosomal Recessive and X-Linked Classification Criteria (2023). Collection method: clinical testing. Allele origin: unknown.
Comment: This variant is considered pathogenic. This variant creates a termination codon and is predicted to result in premature protein truncation.

Ambry Genetics
Classification: Pathogenic for Hereditary cancer-predisposing syndrome. Last evaluated: 2023-06-14. Review status: criteria provided, single submitter. Criteria: Ambry Variant Classification Scheme 2023. Collection method: clinical testing. Allele origin: germline.
Comment: The p.L1132* pathogenic mutation (also known as c.3395T>A), located in coding exon 13 of the PALB2 gene, results from a T to A substitution at nucleotide position 3395. This changes the amino acid from a leucine to a stop codon within coding exon 13. This variant is considered to be rare based on population cohorts in the Genome Aggregation Database (gnomAD). This alteration is expected to result in loss of function by premature protein truncation. As such, this alteration is interpreted as a disease-causing mutation.

Color Diagnostics, LLC DBA Color Health
Classification: Pathogenic for Hereditary cancer-predisposing syndrome. Last evaluated: 2020-03-02. Review status: criteria provided, single submitter. Criteria: ACMG Guidelines, 2015. Collection method: clinical testing. Allele origin: germline.
Comment: This variant changes 1 nucleotide in exon 13 of the PALB2 gene, creating a premature translation stop signal. This variant is expected to escape nonsense-mediated decay and be expressed as a non-functional protein product with the disrupted BRCA2/RAD51 binding domain. To our knowledge, this variant has not been reported in individuals affected with hereditary cancer in the literature. This variant has not been identified in the general population by the Genome Aggregation Database (gnomAD). Multiple pathogenic truncation variants have been reported C-terminal to this variant (Clinvar). Loss of PALB2 function is a known mechanism of disease. Based on the available evidence, this variant is classified as Pathogenic.

NM_024675.4(PALB2):c.3395T>A (p.Leu1132Ter)

Gene: PALB2 (partner and localizer of BRCA2; minus strand). Cytogenetic location: 16p12.2.
Variant type: single nucleotide variant.
Coding change: c.3395T>A on transcript NM_024675.4 (MANE Select); coding-DNA position 3395, T replaced by A.
Protein change: p.Leu1132Ter; replaces leucine 1132 with a stop codon.
Molecular consequence: nonsense.
Genome position (GRCh38, 1-based): chr16:23,603,625, A>T on the plus strand (T>A on the coding strand, the complement: PALB2 is on the minus strand). VCF-style: chr16-23603625-A-T. GRCh37 (hg19) VCF-style: chr16-23614946-A-T.
Other names: short protein forms L1132*.
Identifiers: ClinVar variation 823717 (VCV000823717.9), dbSNP rs1597062296, ClinGen allele CA395138260.